The following is an entry in ClinVar:

ClinVar aggregate classification (germline): Uncertain significance. Review status: criteria provided, multiple submitters, no conflicts (2 of 4 stars). 3 submissions from 3 submitters: Uncertain significance (3). Last evaluated 2025-08-06.

Conditions:
Endometrial carcinoma. Also called: Endometrial carcinoma, somatic. Identifiers: MedGen C0476089, MONDO:0002447, OMIM 608089, HP:0012114.
Colorectal cancer, hereditary nonpolyposis, type 7. Identifiers: Orphanet 144, MedGen C1858380, MONDO:0013725, OMIM 614385.
Colorectal cancer. Also called: Colorectal cancer, somatic; Malignant Colorectal Neoplasm. Identifiers: MedGen C0346629, MONDO:0005575, OMIM 114500.

Allele frequency attached by ClinVar (database versions not stated): gnomAD exomes 0.00002 and 0.00007; ExAC 0.00009.
gnomAD v4.1: 32 of 1,614,188 alleles (0.002%); highest among the groups gnomAD compares: South Asian, 0.029%; no homozygotes.

Submissions (3):

Labcorp Genetics (formerly Invitae), Labcorp
Classification: Uncertain significance for Colorectal cancer, hereditary nonpolyposis, type 7. Last evaluated: 2025-08-06. Review status: criteria provided, single submitter. Criteria: Invitae Variant Classification Sherloc (09022015). Collection method: clinical testing. Allele origin: germline.
Comment: This sequence change replaces threonine, which is neutral and polar, with serine, which is neutral and polar, at codon 1034 of the MLH3 protein (p.Thr1034Ser). This variant is present in population databases (rs557921152, gnomAD 0.06%), and has an allele count higher than expected for a pathogenic variant. This variant has not been reported in the literature in individuals affected with MLH3-related conditions. ClinVar contains an entry for this variant (Variation ID: 1506235). An algorithm developed to predict the effect of missense changes on protein structure and function (PolyPhen-2) suggests that this variant is likely to be tolerated. In summary, the available evidence is currently insufficient to determine the role of this variant in disease. Therefore, it has been classified as a Variant of Uncertain Significance.

Department of Pathology and Laboratory Medicine, Sinai Health System
Classification: Uncertain significance for Colorectal cancer; Endometrial carcinoma; Colorectal cancer, hereditary nonpolyposis, type 7. Last evaluated: 2024-12-06. Review status: criteria provided, single submitter. Criteria: ACMG Guidelines, 2015. Collection method: clinical testing. Allele origin: germline.

Ambry Genetics
Classification: Uncertain significance. Last evaluated: 2024-10-31. Review status: criteria provided, single submitter. Criteria: Ambry Variant Classification Scheme 2023. Collection method: clinical testing. Allele origin: germline.
Comment: The p.T1034S variant (also known as c.3101C>G), located in coding exon 1 of the MLH3 gene, results from a C to G substitution at nucleotide position 3101. The threonine at codon 1034 is replaced by serine, an amino acid with similar properties. This amino acid position is conserved. In addition, this alteration is predicted to be tolerated by in silico analysis. Since supporting evidence is limited at this time, the clinical significance of this alteration remains unclear.

NM_001040108.2(MLH3):c.3101C>G (p.Thr1034Ser)

Gene: MLH3 (mutL homolog 3; minus strand). Cytogenetic location: 14q24.3.
Variant type: single nucleotide variant.
Coding change: c.3101C>G on transcript NM_001040108.2 (MANE Select); coding-DNA position 3101, C replaced by G.
Protein change: p.Thr1034Ser; replaces threonine 1034 with serine.
Molecular consequence: missense variant.
Genome position (GRCh38, 1-based): chr14:75,046,555, G>C on the plus strand (C>G on the coding strand, the complement: MLH3 is on the minus strand). VCF-style: chr14-75046555-G-C. GRCh37 (hg19) VCF-style: chr14-75513258-G-C.
Other names: c.3101C>G, p.Thr1034Ser (NM_014381.3); short protein forms T1034S.
Identifiers: ClinVar variation 1506235 (VCV001506235.10), dbSNP rs557921152, ClinGen allele CA7275591.